The following is an entry in ClinVar:

NM_006563.5(KLF1):c.928G>C (p.Ala310Pro)

Genes: KLF1 (KLF transcription factor 1; minus strand), LOC117125591 (CRISPRi-FlowFISH-validated PRDX2 and RAD23A regulatory element; plus strand). Cytogenetic location: 19p13.13.
Variant type: single nucleotide variant.
Coding change: c.928G>C on transcript NM_006563.5 (MANE Select); coding-DNA position 928, G replaced by C.
Protein change: p.Ala310Pro; replaces alanine 310 with proline.
Molecular consequence: missense variant.
Genome position (GRCh38, 1-based): chr19:12,885,046, C>G on the plus strand (G>C on the coding strand, the complement: KLF1 is on the minus strand). VCF-style: chr19-12885046-C-G. GRCh37 (hg19) VCF-style: chr19-12995860-C-G.
Other names: short protein forms A310P.
Identifiers: ClinVar variation 2901519 (VCV002901519.3), dbSNP rs145551738, ClinGen allele CA9233965.

ClinVar aggregate classification (germline): Uncertain significance (1 of 4 stars; one submission).

Allele frequency attached by ClinVar (database versions not stated): ESP Exome Variant Server 0.00008.

Submission:

Labcorp Genetics (formerly Invitae), Labcorp
Classification: Uncertain significance. Last evaluated: 2023-01-28. Review status: criteria provided, single submitter. Criteria: Invitae Variant Classification Sherloc (09022015). Collection method: clinical testing. Allele origin: germline.
Comment: This sequence change replaces alanine, which is neutral and non-polar, with proline, which is neutral and non-polar, at codon 310 of the KLF1 protein (p.Ala310Pro). This variant is present in population databases (rs145551738, gnomAD 0.008%). This variant has not been reported in the literature in individuals affected with KLF1-related conditions. Advanced modeling of protein sequence and biophysical properties (such as structural, functional, and spatial information, amino acid conservation, physicochemical variation, residue mobility, and thermodynamic stability) performed at Invitae indicates that this missense variant is expected to disrupt KLF1 protein function. In summary, the available evidence is currently insufficient to determine the role of this variant in disease. Therefore, it has been classified as a Variant of Uncertain Significance.